The following is an entry in ClinVar:

NM_005883.3(APC2):c.1798G>A (p.Gly600Ser)

Gene: APC2 (APC regulator of Wnt signaling pathway 2; plus strand). Cytogenetic location: 19p13.3.
Variant type: single nucleotide variant.
Coding change: c.1798G>A on transcript NM_005883.3 (MANE Select); coding-DNA position 1798, G replaced by A.
Protein change: p.Gly600Ser; replaces glycine 600 with serine.
Molecular consequence: missense variant.
Genome position (GRCh38, 1-based): chr19:1,462,122, G>A. VCF-style: chr19-1462122-G-A. GRCh37 (hg19) VCF-style: chr19-1462121-G-A.
Other names: c.1795G>A, p.Gly599Ser (NM_001351273.1); c.1798G>A (NM_005883.2); short protein forms G599S, G600S.
Identifiers: ClinVar variation 2417772 (VCV002417772.8), dbSNP rs376901474, ClinGen allele CA9045284.

ClinVar aggregate classification (germline): Uncertain significance. Review status: criteria provided, multiple submitters, no conflicts (2 of 4 stars). 3 submissions from 3 submitters: Uncertain significance (3). Last evaluated 2025-09-15.

Conditions:
Inborn genetic diseases. Identifiers: MedGen C0950123, MeSH D030342.

Allele frequency attached by ClinVar (database versions not stated): ExAC 0.00003; gnomAD exomes 0.00005; TOPMed 0.00006; ESP Exome Variant Server 0.00008; gnomAD 0.00009.
gnomAD v4.1: 83 of 1,612,408 alleles (0.0051%); highest among the groups gnomAD compares: African/African-American, 0.0093%; no homozygotes.

Submissions (3):

Labcorp Genetics (formerly Invitae), Labcorp
Classification: Uncertain significance. Last evaluated: 2025-09-15. Review status: criteria provided, single submitter. Criteria: Invitae Variant Classification Sherloc (09022015). Collection method: clinical testing. Allele origin: germline.
Comment: This sequence change replaces glycine, which is neutral and non-polar, with serine, which is neutral and polar, at codon 600 of the APC2 protein (p.Gly600Ser). This variant is present in population databases (rs376901474, gnomAD 0.01%). This variant has not been reported in the literature in individuals affected with APC2-related conditions. ClinVar contains an entry for this variant (Variation ID: 2417772). Invitae Evidence Modeling of protein sequence and biophysical properties (such as structural, functional, and spatial information, amino acid conservation, physicochemical variation, residue mobility, and thermodynamic stability) has been performed for this missense variant. However, the output from this modeling did not meet the statistical confidence thresholds required to predict the impact of this variant on APC2 protein function. In summary, the available evidence is currently insufficient to determine the role of this variant in disease. Therefore, it has been classified as a Variant of Uncertain Significance.

Women's Health and Genetics/Laboratory Corporation of America, LabCorp
Classification: Uncertain significance. Last evaluated: 2024-04-05. Review status: criteria provided, single submitter. Criteria: LabCorp Variant Classification Summary - May 2015. Collection method: clinical testing. Allele origin: germline.
Comment: Variant summary: APC2 c.1798G>A (p.Gly600Ser) results in a non-conservative amino acid change in the encoded protein sequence. Four of five in-silico tools predict a damaging effect of the variant on protein function. The variant allele was found at a frequency of 2.4e-05 in 247780 control chromosomes. The available data on variant occurrences in the general population are insufficient to allow any conclusion about variant significance. To our knowledge, no occurrence of c.1798G>A in individuals affected with APC2-Related Disorders and no experimental evidence demonstrating its impact on protein function have been reported. ClinVar contains an entry for this variant (Variation ID: 2417772). Based on the evidence outlined above, the variant was classified as uncertain significance.

Ambry Genetics
Classification: Uncertain significance for Inborn genetic diseases. Last evaluated: 2024-01-23. Review status: criteria provided, single submitter. Criteria: Ambry Variant Classification Scheme 2023. Collection method: clinical testing. Allele origin: germline.